The following is an entry in ClinVar:

ClinVar aggregate classification (germline): Likely benign (1 of 4 stars; one submission).

Conditions:
MAPKBP1-related disorder. Also called: MAPKBP1-related condition.

gnomAD v4.1: 3 of 1,580,488 alleles (0.00019%); highest among the groups gnomAD compares: Admixed American, 0.0052%; no homozygotes.

Submission:

PreventionGenetics, part of Exact Sciences
Classification: Likely benign for MAPKBP1-related condition. Last evaluated: 2026-05-17. Review status: criteria provided, single submitter. Criteria: ACMG Guidelines, 2015. Collection method: clinical testing. Allele origin: germline.
Comment: This variant is classified as likely benign based on ACMG/AMP sequence variant interpretation guidelines (Richards et al. 2015 PMID: 25741868, with internal and published modifications).

NM_014994.3(MAPKBP1):c.4308C>A (p.Gly1436=)

Gene: MAPKBP1 (mitogen-activated protein kinase binding protein 1; plus strand). Cytogenetic location: 15q15.1.
Variant type: single nucleotide variant.
Coding change: c.4308C>A on transcript NM_014994.3 (MANE Select); coding-DNA position 4308, C replaced by A.
Protein change: p.Gly1436=; no amino-acid change (glycine 1436 retained).
Molecular consequence: synonymous variant. On other transcripts: non-coding transcript variant (2).
Genome position (GRCh38, 1-based): chr15:41,825,217, C>A. VCF-style: chr15-41825217-C-A. GRCh37 (hg19) VCF-style: chr15-42117415-C-A.
Other names: c.4326C>A, p.Gly1442= (NM_001128608.2); c.3477C>A, p.Gly1159= (NM_001265611.2).
Identifiers: ClinVar variation 4994996 (VCV004994996.1).